The following is an entry in ClinVar:

NM_014975.3(MAST1):c.2375_2376insTGCTTT (p.Pro791_Leu792insPheAla)

Genes: MAST1 (microtubule associated serine/threonine kinase 1; plus strand), LOC112543452 (Sharpr-MPRA regulatory region 6054; plus strand). Cytogenetic location: 19p13.13.
Variant type: Insertion.
Coding change: c.2375_2376insTGCTTT on transcript NM_014975.3 (MANE Select); coding-DNA positions 2375 to 2376, TGCTTT inserted.
Protein change: p.Pro791_Leu792insPheAla.
Molecular consequence: inframe insertion.
Genome position: GRCh38 VCF-style: chr19-12867782-C-CCTTTTG. GRCh37 (hg19) VCF-style: chr19-12978596-C-CCTTTTG.
Identifiers: ClinVar variation 2230582 (VCV002230582.2), dbSNP rs2512539435, ClinGen allele CA2580096506.

ClinVar aggregate classification (germline): Uncertain significance (1 of 4 stars; one submission).

Conditions:
Inborn genetic diseases. Identifiers: MedGen C0950123, MeSH D030342.

Submission:

Ambry Genetics
Classification: Uncertain significance for Inborn genetic diseases. Last evaluated: 2021-04-29. Review status: criteria provided, single submitter. Criteria: Ambry Variant Classification Scheme 2023. Collection method: clinical testing. Allele origin: germline.
Comment: The c.2375_2376insTGCTTT (p.P791_L792insFA) alteration is located in exon 20 (coding exon 20) of the MAST1 gene. The alteration consists of an in-frame insertion of 6 nucleotides between nucleotide positions c.2375 and c.2376, resulting in the insertion of 2 residues. Based on insufficient or conflicting evidence, the clinical significance of this alteration remains unclear.